The following is an entry in ClinVar:

ClinVar aggregate classification (germline): Uncertain significance (1 of 4 stars; one submission).

Conditions:
Hereditary cancer-predisposing syndrome. Also called: Tumor predisposition; Neoplastic Syndromes, Hereditary; Hereditary Cancer Syndrome; Hereditary neoplastic syndrome. Identifiers: Orphanet 140162, MedGen C0027672, MeSH D009386, MONDO:0015356.

Submission:

Ambry Genetics
Classification: Uncertain significance for Hereditary cancer-predisposing syndrome. Last evaluated: 2024-07-24. Review status: criteria provided, single submitter. Criteria: Ambry Variant Classification Scheme 2023. Collection method: clinical testing. Allele origin: germline.
Comment: The c.469-5T>C intronic variant results from a T to C substitution 5 nucleotides upstream from coding exon 4 in the CTNNA1 gene. This nucleotide position is not well conserved in available vertebrate species. In silico splice site analysis predicts that this alteration will not have any significant effect on splicing. The evidence for this gene-disease relationship is limited; therefore, the clinical significance of this alteration is unclear.

NM_001903.5(CTNNA1):c.469-5T>C

Gene: CTNNA1 (catenin alpha 1; plus strand). Cytogenetic location: 5q31.2.
Variant type: single nucleotide variant.
Coding change: c.469-5T>C on transcript NM_001903.5 (MANE Select); 5 bases into the intron before coding-DNA position 469, T replaced by C.
Molecular consequence: intron variant.
Genome position (GRCh38, 1-based): chr5:138,812,178, T>C. VCF-style: chr5-138812178-T-C. GRCh37 (hg19) VCF-style: chr5-138147867-T-C.
Other names: c.469-5T>C (NM_001323982.2, NM_001323984.2, NM_001290307.3 and 3 more transcripts); c.100-5T>C (NM_001290310.3); c.160-5T>C (NM_001290309.3).
Identifiers: ClinVar variation 3498210 (VCV003498210.1).